The following is an entry in ClinVar:

NM_004982.4(KCNJ8):c.2dup (p.Met1fs)

Genes: KCNJ8 (potassium inwardly rectifying channel subfamily J member 8; minus strand), KCNJ8-AS1 (KCNJ8 antisense RNA 1; plus strand). Cytogenetic location: 12p12.1.
Variant type: Duplication.
Coding change: c.2dup on transcript NM_004982.4 (MANE Select); coding-DNA position 2, one base duplicated (T; older notation c.2dupT).
Protein change: p.Met1fs; shifts the reading frame from methionine 1.
Molecular consequence: frameshift variant, initiator codon variant.
Genome position (GRCh38, 1-based): chr12:21,773,615, A duplicated on the plus strand (T on the coding strand, the reverse complement: KCNJ8 is on the minus strand). VCF-style (leftmost placement, unchanged base first): chr12-21773614-C-CA. GRCh37 (hg19) VCF-style: chr12-21926548-C-CA.
Other names: short protein forms M1fs.
Identifiers: ClinVar variation 3022508 (VCV003022508.3), dbSNP rs1475364374, ClinGen allele CA603673509.

ClinVar aggregate classification (germline): Uncertain significance (1 of 4 stars; one submission).

Conditions:
Brugada syndrome. Also called: Sudden unexpected nocturnal death syndrome; Sudden unexplained nocturnal death syndrome; Sudden Unexplained Death Syndrome; Sudden Unexplained Nocturnal Death Syndrome (SUNDS). Identifiers: Orphanet 130, MedGen C1142166, MONDO:0015263.

Allele frequency attached by ClinVar (database versions not stated): gnomAD exomes below 0.00001; gnomAD 0.00001.

Submission:

Labcorp Genetics (formerly Invitae), Labcorp
Classification: Uncertain significance for Brugada syndrome. Last evaluated: 2023-10-23. Review status: criteria provided, single submitter. Criteria: Invitae Variant Classification Sherloc (09022015). Collection method: clinical testing. Allele origin: germline.
Comment: This sequence change affects the initiator methionine of the KCNJ8 mRNA. The next in-frame methionine is located at codon 78. This variant is present in population databases (no rsID available, gnomAD 0.002%). This variant has not been reported in the literature in individuals affected with KCNJ8-related conditions. Experimental studies and prediction algorithms are not available or were not evaluated, and the functional significance of this variant is currently unknown. In summary, the available evidence is currently insufficient to determine the role of this variant in disease. Therefore, it has been classified as a Variant of Uncertain Significance.